The following is an entry in ClinVar:

NM_024596.5(MCPH1):c.1616A>G (p.Asp539Gly)

Gene: MCPH1 (microcephalin 1; plus strand). Cytogenetic location: 8p23.1.
Variant type: single nucleotide variant.
Coding change: c.1616A>G on transcript NM_024596.5 (MANE Select); coding-DNA position 1616, A replaced by G.
Protein change: p.Asp539Gly; replaces aspartic acid 539 with glycine.
Molecular consequence: missense variant. On other transcripts: non-coding transcript variant (1).
Genome position (GRCh38, 1-based): chr8:6,445,338, A>G. VCF-style: chr8-6445338-A-G. GRCh37 (hg19) VCF-style: chr8-6302859-A-G.
Other names: c.1616A>G, p.Asp539Gly (NM_001172574.2, NM_001322042.2, NM_001363979.1 and 1 more transcripts); c.1472A>G, p.Asp491Gly (NM_001172575.2); c.1610A>G, p.Asp537Gly (NM_001322043.2); c.1514A>G, p.Asp505Gly (NM_001322045.2); c.1616A>G (NM_001322042.1); short protein forms D539G, D491G, D537G, D505G.
Identifiers: ClinVar variation 158821 (VCV000158821.15), dbSNP rs587783734, ClinGen allele CA271680.
Genomic context (GRCh38, chr8:6,445,338, plus strand): 5'-GCCCAGAGGGAAATGGCTTTTCTTACACCATTGAGGACCCTGCTCTTCCAAAAGGACATG[A>G]TGATGATTTAACTCCTTTGGAAGGAAGCCTTGAAGAAATGAAAGAAGCGGTTGGTCTGAA-3'
Protein context (NP_078872.3, residues 529-549): IEDPALPKGH[Asp539Gly]DDLTPLEGSL

ClinVar aggregate classification (germline): Conflicting classifications of pathogenicity. Review status: criteria provided, conflicting classifications (1 of 4 stars). 4 submissions from 4 submitters: Uncertain significance (1); Benign (1); Likely benign (1). 1 of the submissions does not count toward it. Last evaluated 2026-01-27.

Conditions:
Microcephaly 1, primary, autosomal recessive (MCPH1). Also called: PREMATURE CHROMOSOME CONDENSATION SYNDROME; PCC SYNDROME; PREMATURE CHROMOSOME CONDENSATION WITH MICROCEPHALY AND MENTAL RETARDATION. Identifiers: Orphanet 2512, MedGen C1855081, MONDO:0009617, OMIM 251200.
MCPH1-related disorder. Also called: MCPH1-related condition.
Inborn genetic diseases. Identifiers: MedGen C0950123, MeSH D030342.

Allele frequency attached by ClinVar (database versions not stated): gnomAD below 0.00001 and 0.00003; TOPMed 0.00001; gnomAD exomes 0.00013 and 0.00024; ExAC 0.00024; 1000 Genomes Project 30x 0.00031.
gnomAD v4.1: 191 of 1,614,260 alleles (0.012%); highest among the groups gnomAD compares: South Asian, 0.18%; 3 homozygotes.

Submissions (4):

Labcorp Genetics (formerly Invitae), Labcorp
Classification: Benign. Last evaluated: 2026-01-27. Review status: criteria provided, single submitter. Criteria: Invitae Variant Classification Sherloc (09022015). Collection method: clinical testing. Allele origin: germline.

Ambry Genetics
Classification: Likely benign for Inborn genetic diseases. Last evaluated: 2024-08-27. Review status: criteria provided, single submitter. Criteria: Ambry Variant Classification Scheme 2023. Collection method: clinical testing. Allele origin: germline.

Genetic Services Laboratory, University of Chicago
Classification: Uncertain significance for Microcephaly 1, primary, autosomal recessive. Last evaluated: 2013-03-08. Review status: criteria provided, single submitter. Criteria: ACMG Guidelines, 2007. Collection method: clinical testing. Allele origin: germline. Inheritance: Autosomal recessive inheritance.

PreventionGenetics, part of Exact Sciences
Classification: Likely benign for MCPH1-related condition. Last evaluated: 2022-04-11. Review status: no assertion criteria provided. Collection method: clinical testing. Allele origin: germline. Not counted in ClinVar's aggregate classification.
Comment: This variant is classified as likely benign based on ACMG/AMP sequence variant interpretation guidelines (Richards et al. 2015 PMID: 25741868, with internal and published modifications).